The following is an entry in ClinVar:

NM_004371.4(COPA):c.385T>C (p.Cys129Arg)

Gene: COPA (coat protein complex I subunit alpha; minus strand). Cytogenetic location: 1q23.2.
Variant type: single nucleotide variant.
Coding change: c.385T>C on transcript NM_004371.4 (MANE Select); coding-DNA position 385, T replaced by C.
Protein change: p.Cys129Arg; replaces cysteine 129 with arginine.
Molecular consequence: missense variant.
Genome position (GRCh38, 1-based): chr1:160,333,604, A>G on the plus strand (T>C on the coding strand, the complement: COPA is on the minus strand). VCF-style: chr1-160333604-A-G. GRCh37 (hg19) VCF-style: chr1-160303394-A-G.
Other names: c.385T>C, p.Cys129Arg (NM_001098398.2); short protein forms C129R.
Identifiers: ClinVar variation 1043811 (VCV001043811.9), dbSNP rs1647631957, ClinGen allele CA343270038.

ClinVar aggregate classification (germline): Uncertain significance (1 of 4 stars; one submission).

Conditions:
Autoimmune interstitial lung disease-arthritis syndrome. Also called: Autoinflammation and autoimmunity, systemic, with immune dysregulation. Identifiers: Orphanet 444092, MedGen C5975714, MONDO:0014629.

Allele frequency attached by ClinVar (database versions not stated): gnomAD exomes below 0.00001.
gnomAD v4.1: 1 of 1,611,340 alleles (0.000062%); highest among the groups gnomAD compares: Non-Finnish European, 0.000085%; no homozygotes.

Submission:

Labcorp Genetics (formerly Invitae), Labcorp
Classification: Uncertain significance for Autoimmune interstitial lung disease-arthritis syndrome. Last evaluated: 2020-02-06. Review status: criteria provided, single submitter. Criteria: Invitae Variant Classification Sherloc (09022015). Collection method: clinical testing. Allele origin: germline.
Comment: In summary, the available evidence is currently insufficient to determine the role of this variant in disease. Therefore, it has been classified as a Variant of Uncertain Significance. Algorithms developed to predict the effect of missense changes on protein structure and function are either unavailable or do not agree on the potential impact of this missense change (SIFT: "Deleterious"; PolyPhen-2: "Benign"; Align-GVGD: "Class C0"). This variant has not been reported in the literature in individuals with COPA-related conditions. This variant is not present in population databases (ExAC no frequency). This sequence change replaces cysteine with arginine at codon 129 of the COPA protein (p.Cys129Arg). The cysteine residue is moderately conserved and there is a large physicochemical difference between cysteine and arginine.